The following is an entry in ClinVar:

ClinVar aggregate classification (germline): Uncertain significance (1 of 4 stars; one submission).

gnomAD v4.1: 9 of 1,614,042 alleles (0.00056%); highest among the groups gnomAD compares: Non-Finnish European, 0.00068%; no homozygotes.

Submission:

Labcorp Genetics (formerly Invitae), Labcorp
Classification: Uncertain significance. Last evaluated: 2025-10-29. Review status: criteria provided, single submitter. Criteria: Invitae Variant Classification Sherloc (09022015). Collection method: clinical testing. Allele origin: germline.
Comment: This sequence change replaces glutamic acid, which is acidic and polar, with lysine, which is basic and polar, at codon 1456 of the DUOX2 protein (p.Glu1456Lys). This variant is present in population databases (rs752617215, gnomAD 0.003%). This variant has not been reported in the literature in individuals affected with DUOX2-related conditions. ClinVar contains an entry for this variant (Variation ID: 3696749). Invitae Evidence Modeling of protein sequence and biophysical properties (such as structural, functional, and spatial information, amino acid conservation, physicochemical variation, residue mobility, and thermodynamic stability) indicates that this missense variant is not expected to disrupt DUOX2 protein function with a negative predictive value of 95%. In summary, the available evidence is currently insufficient to determine the role of this variant in disease. Therefore, it has been classified as a Variant of Uncertain Significance.

NM_001363711.2(DUOX2):c.4366G>A (p.Glu1456Lys)

Gene: DUOX2 (dual oxidase 2; minus strand). Cytogenetic location: 15q21.1.
Variant type: single nucleotide variant.
Coding change: c.4366G>A on transcript NM_001363711.2 (MANE Select); coding-DNA position 4366, G replaced by A.
Protein change: p.Glu1456Lys; replaces glutamic acid 1456 with lysine.
Molecular consequence: missense variant.
Genome position (GRCh38, 1-based): chr15:45,094,965, C>T on the plus strand (G>A on the coding strand, the complement: DUOX2 is on the minus strand). VCF-style: chr15-45094965-C-T. GRCh37 (hg19) VCF-style: chr15-45387163-C-T.
Other names: c.4366G>A, p.Glu1456Lys (NM_014080.5); short protein forms E1456K.
Identifiers: ClinVar variation 3696749 (VCV003696749.2).